The following is an entry in ClinVar:

NM_005257.6(GATA6):c.820G>T (p.Gly274Cys)

Gene: GATA6 (GATA binding protein 6; plus strand). Cytogenetic location: 18q11.2.
Variant type: single nucleotide variant.
Coding change: c.820G>T on transcript NM_005257.6 (MANE Select); coding-DNA position 820, G replaced by T.
Protein change: p.Gly274Cys; replaces glycine 274 with cysteine.
Molecular consequence: missense variant.
Genome position (GRCh38, 1-based): chr18:22,171,964, G>T. VCF-style: chr18-22171964-G-T. GRCh37 (hg19) VCF-style: chr18-19751925-G-T.
Other names: short protein forms G274C.
Identifiers: ClinVar variation 1042252 (VCV001042252.8), dbSNP rs2033057411, ClinGen allele CA401800974.

ClinVar aggregate classification (germline): Uncertain significance (1 of 4 stars; one submission).

Conditions:
Atrioventricular septal defect 5 (AVSD5). Identifiers: MedGen C3280939, MONDO:0013769, OMIM 614474.

Submission:

Labcorp Genetics (formerly Invitae), Labcorp
Classification: Uncertain significance for Atrioventricular septal defect 5. Last evaluated: 2022-03-18. Review status: criteria provided, single submitter. Criteria: Invitae Variant Classification Sherloc (09022015). Collection method: clinical testing. Allele origin: germline.
Comment: In summary, the available evidence is currently insufficient to determine the role of this variant in disease. Therefore, it has been classified as a Variant of Uncertain Significance. Algorithms developed to predict the effect of missense changes on protein structure and function are either unavailable or do not agree on the potential impact of this missense change (SIFT: "Deleterious"; PolyPhen-2: "Probably Damaging"; Align-GVGD: "Class C0"). ClinVar contains an entry for this variant (Variation ID: 1042252). This variant has not been reported in the literature in individuals affected with GATA6-related conditions. This variant is not present in population databases (gnomAD no frequency). This sequence change replaces glycine, which is neutral and non-polar, with cysteine, which is neutral and slightly polar, at codon 274 of the GATA6 protein (p.Gly274Cys).